The following is an entry in ClinVar:

ClinVar aggregate classification (germline): Uncertain significance. Review status: criteria provided, multiple submitters, no conflicts (2 of 4 stars). 2 submissions from 2 submitters: Uncertain significance (2). Last evaluated 2025-03-22.

Conditions:
Inborn genetic diseases. Identifiers: MedGen C0950123, MeSH D030342.
Nance-Horan syndrome (NHS). Identifiers: Orphanet 627, MedGen C0796085, MONDO:0010545, OMIM 302350.

Submissions (2):

Labcorp Genetics (formerly Invitae), Labcorp
Classification: Uncertain significance for Nance-Horan syndrome. Last evaluated: 2025-03-22. Review status: criteria provided, single submitter. Criteria: Invitae Variant Classification Sherloc (09022015). Collection method: clinical testing. Allele origin: germline.
Comment: This sequence change replaces valine, which is neutral and non-polar, with alanine, which is neutral and non-polar, at codon 188 of the NHS protein (p.Val188Ala). This variant is not present in population databases (gnomAD no frequency). This variant has not been reported in the literature in individuals affected with NHS-related conditions. An algorithm developed to predict the effect of missense changes on protein structure and function (PolyPhen-2) suggests that this variant is likely to be tolerated. In summary, the available evidence is currently insufficient to determine the role of this variant in disease. Therefore, it has been classified as a Variant of Uncertain Significance.

Ambry Genetics
Classification: Uncertain significance for Inborn genetic diseases. Last evaluated: 2025-02-22. Review status: criteria provided, single submitter. Criteria: Ambry Variant Classification Scheme 2023. Collection method: clinical testing. Allele origin: germline.

NM_001291867.2(NHS):c.563T>C (p.Val188Ala)

Gene: NHS (NHS actin remodeling regulator; plus strand). Cytogenetic location: Xp22.2.
Variant type: single nucleotide variant.
Coding change: c.563T>C on transcript NM_001291867.2 (MANE Select); coding-DNA position 563, T replaced by C.
Protein change: p.Val188Ala; replaces valine 188 with alanine.
Molecular consequence: missense variant.
Genome position (GRCh38, 1-based): chrX:17,376,320, T>C. VCF-style: chrX-17376320-T-C. GRCh37 (hg19) VCF-style: chrX-17394443-T-C.
Other names: c.563T>C, p.Val188Ala (NM_198270.4); short protein forms V188A.
Identifiers: ClinVar variation 3879449 (VCV003879449.2).